The following is an entry in ClinVar:

NM_005585.5(SMAD6):c.513del (p.Glu171fs)

Gene: SMAD6 (SMAD family member 6; plus strand). Cytogenetic location: 15q22.31.
Variant type: Deletion.
Coding change: c.513del on transcript NM_005585.5 (MANE Select); coding-DNA position 513, one base deleted (A; older notation c.513delA).
Protein change: p.Glu171fs; shifts the reading frame from glutamic acid 171.
Molecular consequence: frameshift variant. On other transcripts: non-coding transcript variant (1).
Genome position (GRCh38, 1-based): chr15:66,703,771, A deleted; the last of 2 consecutive A bases (chr15:66,703,770-66,703,771); deleting either gives the same sequence. VCF-style (leftmost placement, unchanged base first): chr15-66703769-GA-G. GRCh37 (hg19) VCF-style: chr15-66996107-GA-G.
Other names: short protein forms E171fs.
Identifiers: ClinVar variation 4056435 (VCV004056435.2).

ClinVar aggregate classification (germline): Conflicting classifications of pathogenicity. Review status: criteria provided, conflicting classifications (1 of 4 stars). 2 submissions from 2 submitters: Likely pathogenic (1); Uncertain significance (1). Last evaluated 2025-06-08.

Conditions:
Radioulnar synostosis, nonsyndromic, susceptibility to. Identifiers: MedGen C5241445, MONDO:0100183, OMIM 179300.
Aortic valve disease 2 (AOVD2). Identifiers: MedGen C3542024, MONDO:0013902, OMIM 614823.

Submissions (2):

Labcorp Genetics (formerly Invitae), Labcorp
Classification: Uncertain significance for Aortic valve disease 2. Last evaluated: 2025-06-08. Review status: criteria provided, single submitter. Criteria: Invitae Variant Classification Sherloc (09022015). Collection method: clinical testing. Allele origin: germline.
Comment: This sequence change creates a premature translational stop signal (p.Glu171Aspfs*10) in the SMAD6 gene. It is expected to result in an absent or disrupted protein product. However, the current clinical and genetic evidence is not sufficient to establish whether loss-of-function variants in SMAD6 cause disease. This variant is not present in population databases (gnomAD no frequency). This variant has not been reported in the literature in individuals affected with SMAD6-related conditions. In summary, the available evidence is currently insufficient to determine the role of this variant in disease. Therefore, it has been classified as a Variant of Uncertain Significance.

Laboratoire de Génétique Moléculaire, CHU Bordeaux
Classification: Likely pathogenic for Radioulnar synostosis, nonsyndromic, susceptibility to. Last evaluated: 2023-10-17. Review status: criteria provided, single submitter. Criteria: ACMG Guidelines, 2015. Collection method: clinical testing. Allele origin: germline. Affected: yes.